The following is an entry in ClinVar:

NM_003873.7(NRP1):c.2431+3A>G

Gene: NRP1 (neuropilin 1; minus strand). Cytogenetic location: 10p11.22.
Variant type: single nucleotide variant.
Coding change: c.2431+3A>G on transcript NM_003873.7 (MANE Select); 3 bases into the intron after coding-DNA position 2431, A replaced by G.
Molecular consequence: intron variant.
Genome position (GRCh38, 1-based): chr10:33,185,625, T>C on the plus strand (A>G on the coding strand, the complement: NRP1 is on the minus strand). VCF-style: chr10-33185625-T-C. GRCh37 (hg19) VCF-style: chr10-33474553-T-C.
Other names: c.2410+3A>G (NM_001244973.2); c.2413+3A>G (NM_001244972.2); c.2431+3A>G (NM_001330068.2).
Identifiers: ClinVar variation 3048449 (VCV003048449.3), dbSNP rs528921745, ClinGen allele CA5466192.

ClinVar aggregate classification (germline): Likely benign. Review status: criteria provided, single submitter (1 of 4 stars). 2 submissions from 2 submitters: Likely benign (1). 1 of the submissions does not count toward it.

Conditions:
NRP1-related disorder. Also called: NRP1-related condition.

Allele frequency attached by ClinVar (database versions not stated): gnomAD 0.00002; gnomAD exomes 0.00002; TOPMed 0.00002; ExAC 0.00007; 1000 Genomes Project 30x 0.00047; 1000 Genomes Project 0.00060.
gnomAD v4.1: 49 of 1,606,706 alleles (0.003%); highest among the groups gnomAD compares: East Asian, 0.036%; 1 homozygote.

Submissions (2):

Breakthrough Genomics
Classification: Likely benign. Review status: criteria provided, single submitter. Criteria: ACMG Guidelines, 2015. Collection method: not provided. Allele origin: germline. Inheritance: Unknown mechanism. Affected: yes.

PreventionGenetics, part of Exact Sciences
Classification: Likely benign for NRP1-related condition. Last evaluated: 2023-03-01. Review status: no assertion criteria provided. Collection method: clinical testing. Allele origin: germline. Not counted in ClinVar's aggregate classification.
Comment: This variant is classified as likely benign based on ACMG/AMP sequence variant interpretation guidelines (Richards et al. 2015 PMID: 25741868, with internal and published modifications).